The following is an entry in ClinVar:

ClinVar aggregate classification (germline): Uncertain significance (1 of 4 stars; one submission).

Conditions:
Dyskeratosis congenita. Identifiers: Orphanet 1775, MedGen C0265965, MONDO:0015780.

Submission:

Ambry Genetics
Classification: Uncertain significance for Dyskeratosis congenita. Last evaluated: 2023-11-04. Review status: criteria provided, single submitter. Criteria: Ambry Variant Classification Scheme 2023. Collection method: clinical testing. Allele origin: germline.
Comment: The p.R1097G variant (also known as c.3289A>G), located in coding exon 15 of the TERT gene, results from an A to G substitution at nucleotide position 3289. The arginine at codon 1097 is replaced by glycine, an amino acid with dissimilar properties. This amino acid position is conserved. In addition, the in silico prediction for this alteration is inconclusive. Since supporting evidence is limited at this time, the clinical significance of this alteration remains unclear.

NM_198253.3(TERT):c.3289A>G (p.Arg1097Gly)

Gene: TERT (telomerase reverse transcriptase; minus strand). Cytogenetic location: 5p15.33.
Variant type: single nucleotide variant.
Coding change: c.3289A>G on transcript NM_198253.3 (MANE Select); coding-DNA position 3289, A replaced by G.
Protein change: p.Arg1097Gly; replaces arginine 1097 with glycine.
Molecular consequence: missense variant. On other transcripts: non-coding transcript variant (2).
Genome position (GRCh38, 1-based): chr5:1,254,374, T>C on the plus strand (A>G on the coding strand, the complement: TERT is on the minus strand). VCF-style: chr5-1254374-T-C. GRCh37 (hg19) VCF-style: chr5-1254489-T-C.
Other names: c.3100A>G, p.Arg1034Gly (NM_001193376.3); c.3289A>G, p.Arg1097Gly (NM_003219.1); short protein forms R1034G, R1097G.
Identifiers: ClinVar variation 3238606 (VCV003238606.1), dbSNP rs1241468355.